The following is an entry in ClinVar:

NM_001040142.2(SCN2A):c.5951A>T (p.Glu1984Val)

Gene: SCN2A (sodium voltage-gated channel alpha subunit 2; plus strand). Cytogenetic location: 2q24.3.
Variant type: single nucleotide variant.
Coding change: c.5951A>T on transcript NM_001040142.2 (MANE Select); coding-DNA position 5951, A replaced by T.
Protein change: p.Glu1984Val; replaces glutamic acid 1984 with valine.
Molecular consequence: missense variant.
Genome position (GRCh38, 1-based): chr2:165,389,757, A>T. VCF-style: chr2-165389757-A-T. GRCh37 (hg19) VCF-style: chr2-166246267-A-T.
Other names: c.5951A>T, p.Glu1984Val (NM_001040143.2, NM_001371246.1, NM_001371247.1 and 1 more transcripts); short protein forms E1984V.
Identifiers: ClinVar variation 1318494 (VCV001318494.2), dbSNP rs1260472813, ClinGen allele CA349041712.

ClinVar aggregate classification (germline): Uncertain significance (1 of 4 stars; one submission).

Allele frequency attached by ClinVar (database versions not stated): TOPMed below 0.00001; gnomAD 0.00001.
gnomAD v4.1: 1 of 1,613,152 alleles (0.000062%); highest among the groups gnomAD compares: Non-Finnish European, 0.000085%; no homozygotes.

Submission:

GeneDx
Classification: Uncertain significance. Last evaluated: 2018-12-10. Review status: criteria provided, single submitter. Criteria: GeneDx Variant Classification Process June 2021. Collection method: clinical testing. Allele origin: germline. Affected: yes.
Comment: Not observed in large population cohorts (Lek et al., 2016); In silico analysis, which includes protein predictors and evolutionary conservation, supports a deleterious effect; Has not been previously published as pathogenic or benign to our knowledge; This substitution is predicted to be within the C-terminal cytoplasmic domain